The following is an entry in ClinVar:

ClinVar aggregate classification (germline): Uncertain significance. Review status: criteria provided, multiple submitters, no conflicts (2 of 4 stars). 2 submissions from 2 submitters: Uncertain significance (2). Last evaluated 2026-04-05.

Conditions:
NCOA1-related disorder. Also called: NCOA1-related condition.

Allele frequency attached by ClinVar (database versions not stated): TOPMed 0.00002; gnomAD 0.00003.
gnomAD v4.1: 6 of 1,613,298 alleles (0.00037%); highest among the groups gnomAD compares: African/African-American, 0.008%; no homozygotes.

Submissions (2):

PreventionGenetics, part of Exact Sciences
Classification: Uncertain significance for NCOA1-related condition. Last evaluated: 2026-04-05. Review status: criteria provided, single submitter. Criteria: ACMG Guidelines, 2015. Collection method: clinical testing. Allele origin: germline.
Comment: The NCOA1 c.3732C>G variant is predicted to result in the amino acid substitution p.Asn1244Lys. To our knowledge, this variant has not been reported in the literature. This variant is reported in 0.012% of alleles in individuals of African descent in gnomAD. At this time, the clinical significance of this variant is uncertain due to the absence of conclusive functional and genetic evidence.

Ambry Genetics
Classification: Uncertain significance. Last evaluated: 2023-08-08. Review status: criteria provided, single submitter. Criteria: Ambry Variant Classification Scheme 2023. Collection method: clinical testing. Allele origin: germline.

NM_003743.5(NCOA1):c.3732C>G (p.Asn1244Lys)

Gene: NCOA1 (nuclear receptor coactivator 1; plus strand). Cytogenetic location: 2p23.3.
Variant type: single nucleotide variant.
Coding change: c.3732C>G on transcript NM_003743.5 (MANE Select); coding-DNA position 3732, C replaced by G.
Protein change: p.Asn1244Lys; replaces asparagine 1244 with lysine.
Molecular consequence: missense variant.
Genome position (GRCh38, 1-based): chr2:24,752,007, C>G. VCF-style: chr2-24752007-C-G. GRCh37 (hg19) VCF-style: chr2-24974876-C-G.
Other names: c.3732C>G, p.Asn1244Lys (NM_001362950.1, NM_001362952.1, NM_001362954.1 and 3 more transcripts); short protein forms N1244K.
Identifiers: ClinVar variation 2600614 (VCV002600614.3), dbSNP rs758155027, ClinGen allele CA346055734.